The following is an entry in ClinVar:

NM_003184.4(TAF2):c.3245G>A (p.Arg1082Gln)

Gene: TAF2 (TATA-box binding protein associated factor 2; minus strand). Cytogenetic location: 8q24.12.
Variant type: single nucleotide variant.
Coding change: c.3245G>A on transcript NM_003184.4 (MANE Select); coding-DNA position 3245, G replaced by A.
Protein change: p.Arg1082Gln; replaces arginine 1082 with glutamine.
Molecular consequence: missense variant.
Genome position (GRCh38, 1-based): chr8:119,742,626, C>T on the plus strand (G>A on the coding strand, the complement: TAF2 is on the minus strand). VCF-style: chr8-119742626-C-T. GRCh37 (hg19) VCF-style: chr8-120754866-C-T.
Other names: c.3245G>A (NM_003184.3); short protein forms R1082Q.
Identifiers: ClinVar variation 1480466 (VCV001480466.26), dbSNP rs747453635, ClinGen allele CA4856833.

ClinVar aggregate classification (germline): Uncertain significance. Review status: criteria provided, multiple submitters, no conflicts (2 of 4 stars). 4 submissions from 4 submitters: Uncertain significance (4). Last evaluated 2025-12-15.

Conditions:
Inborn genetic diseases. Identifiers: MedGen C0950123, MeSH D030342.

gnomAD v4.1: 105 of 1,613,354 alleles (0.0065%); highest among the groups gnomAD compares: South Asian, 0.065%; 1 homozygote.

Submissions (4):

Women's Health and Genetics/Laboratory Corporation of America, LabCorp
Classification: Uncertain significance. Last evaluated: 2025-12-15. Review status: criteria provided, single submitter. Criteria: LabCorp Variant Classification Summary - May 2015. Collection method: clinical testing. Allele origin: germline.
Comment: Variant summary: TAF2 c.3245G>A (p.Arg1082Gln) results in a conservative amino acid change in the encoded protein sequence. Algorithms developed to predict the effect of missense changes on protein structure and function all suggest that this variant is likely to be tolerated. The variant allele was found at a frequency of 6.5e-05 in 1606364 control chromosomes, predominantly at a frequency of 0.00065 within the South Asian subpopulation in the gnomAD database, including 1 homozygote. To our knowledge, no occurrence of c.3245G>A in individuals affected with TAF2-related conditions and no experimental evidence demonstrating its impact on protein function have been reported. ClinVar contains an entry for this variant (Variation ID: 1480466). Based on the evidence outlined above, the variant was classified as VUS-possibly benign.

Ambry Genetics
Classification: Uncertain significance for Inborn genetic diseases. Last evaluated: 2025-08-13. Review status: criteria provided, single submitter. Criteria: Ambry Variant Classification Scheme 2023. Collection method: clinical testing. Allele origin: germline.

CeGaT Center for Human Genetics Tuebingen
Classification: Uncertain significance. Last evaluated: 2024-06-01. Review status: criteria provided, single submitter. Criteria: CeGaT Center For Human Genetics Tuebingen Variant Classification Criteria Version 2. Collection method: clinical testing. Allele origin: germline. Affected: yes. Observed: 1 variant allele.
Comment: TAF2: PM2, BP4

Labcorp Genetics (formerly Invitae), Labcorp
Classification: Uncertain significance. Last evaluated: 2024-01-22. Review status: criteria provided, single submitter. Criteria: Invitae Variant Classification Sherloc (09022015). Collection method: clinical testing. Allele origin: germline.
Comment: This sequence change replaces arginine, which is basic and polar, with glutamine, which is neutral and polar, at codon 1082 of the TAF2 protein (p.Arg1082Gln). This variant is present in population databases (rs747453635, gnomAD 0.05%). This variant has not been reported in the literature in individuals affected with TAF2-related conditions. ClinVar contains an entry for this variant (Variation ID: 1480466). An algorithm developed to predict the effect of missense changes on protein structure and function (PolyPhen-2) suggests that this variant is likely to be tolerated. In summary, the available evidence is currently insufficient to determine the role of this variant in disease. Therefore, it has been classified as a Variant of Uncertain Significance.